The following is an entry in ClinVar:

NM_001199397.3(NEK1):c.641A>G (p.Lys214Arg)

Gene: NEK1 (NIMA related kinase 1; minus strand). Cytogenetic location: 4q33.
Variant type: single nucleotide variant.
Coding change: c.641A>G on transcript NM_001199397.3 (MANE Select); coding-DNA position 641, A replaced by G.
Protein change: p.Lys214Arg; replaces lysine 214 with arginine.
Molecular consequence: missense variant. On other transcripts: non-coding transcript variant (2).
Genome position (GRCh38, 1-based): chr4:169,585,515, T>C on the plus strand (A>G on the coding strand, the complement: NEK1 is on the minus strand). VCF-style: chr4-169585515-T-C. GRCh37 (hg19) VCF-style: chr4-170506666-T-C.
Other names: c.641A>G, p.Lys214Arg (NM_001199398.3, NM_001199399.3, NM_001199400.3 and 7 more transcripts); short protein forms K214R.
Identifiers: ClinVar variation 1052885 (VCV001052885.9), dbSNP rs1309738215, ClinGen allele CA358738671.

ClinVar aggregate classification (germline): Uncertain significance (1 of 4 stars; one submission).

Conditions:
Short-rib thoracic dysplasia 6 with or without polydactyly (SRTD6). Also called: Majewski Syndrome; SHORT RIB-POLYDACTYLY SYNDROME, TYPE IIA; POLYDACTYLY WITH NEONATAL CHONDRODYSTROPHY, TYPE II; SHORT-RIB THORACIC DYSPLASIA 6 WITH POLYDACTYLY; SHORT-RIB THORACIC DYSPLASIA 6 WITHOUT POLYDACTYLY. Identifiers: MedGen C0024507, MONDO:0009894, OMIM 263520.

Allele frequency attached by ClinVar (database versions not stated): gnomAD exomes below 0.00001; TOPMed below 0.00001; gnomAD 0.00001.
gnomAD v4.1: 4 of 1,613,246 alleles (0.00025%); highest among the groups gnomAD compares: East Asian, 0.0089%; no homozygotes.

Submission:

Labcorp Genetics (formerly Invitae), Labcorp
Classification: Uncertain significance for Short-rib thoracic dysplasia 6 with or without polydactyly. Last evaluated: 2024-02-24. Review status: criteria provided, single submitter. Criteria: Invitae Variant Classification Sherloc (09022015). Collection method: clinical testing. Allele origin: germline.
Comment: This sequence change replaces lysine, which is basic and polar, with arginine, which is basic and polar, at codon 214 of the NEK1 protein (p.Lys214Arg). This variant is present in population databases (no rsID available, gnomAD 0.006%). This missense change has been observed in individual(s) with amyotrophic lateral sclerosis (PMID: 36443167). ClinVar contains an entry for this variant (Variation ID: 1052885). Advanced modeling of protein sequence and biophysical properties (such as structural, functional, and spatial information, amino acid conservation, physicochemical variation, residue mobility, and thermodynamic stability) performed at Invitae indicates that this missense variant is not expected to disrupt NEK1 protein function with a negative predictive value of 95%. In summary, the available evidence is currently insufficient to determine the role of this variant in disease. Therefore, it has been classified as a Variant of Uncertain Significance.

Literature cited by the submitters: PubMed 36443167.